The following is an entry in ClinVar:

NM_000466.3(PEX1):c.1397T>G (p.Phe466Cys)

Gene: PEX1 (peroxisomal biogenesis factor 1; minus strand). Cytogenetic location: 7q21.2.
Variant type: single nucleotide variant.
Coding change: c.1397T>G on transcript NM_000466.3 (MANE Select); coding-DNA position 1397, T replaced by G.
Protein change: p.Phe466Cys; replaces phenylalanine 466 with cysteine.
Molecular consequence: missense variant.
Genome position (GRCh38, 1-based): chr7:92,511,666, A>C on the plus strand (T>G on the coding strand, the complement: PEX1 is on the minus strand). VCF-style: chr7-92511666-A-C. GRCh37 (hg19) VCF-style: chr7-92140980-A-C.
Other names: c.1397T>G, p.Phe466Cys (NM_001282677.2); c.773T>G, p.Phe258Cys (NM_001282678.2); short protein forms F258C, F466C.
Identifiers: ClinVar variation 1441966 (VCV001441966.5), dbSNP rs1040716320, ClinGen allele CA161969005.

ClinVar aggregate classification (germline): Uncertain significance (1 of 4 stars; one submission).

Conditions:
Zellweger spectrum disorders (ZS). Also called: Zellweger syndrome; Zellweger Spectrum Disorder (ZSD); Zellweger Spectrum Disorder; Zellweger Spectrum. Identifiers: Orphanet 912, MedGen C0043459, MONDO:0019609.

Allele frequency attached by ClinVar (database versions not stated): gnomAD exomes below 0.00001; TOPMed below 0.00001; gnomAD 0.00001.
gnomAD v4.1: 3 of 1,612,330 alleles (0.00019%); highest among the groups gnomAD compares: Non-Finnish European, 0.00025%; no homozygotes.

Submission:

Labcorp Genetics (formerly Invitae), Labcorp
Classification: Uncertain significance for Zellweger spectrum disorders. Last evaluated: 2022-06-20. Review status: criteria provided, single submitter. Criteria: Invitae Variant Classification Sherloc (09022015). Collection method: clinical testing. Allele origin: germline.
Comment: This sequence change replaces phenylalanine, which is neutral and non-polar, with cysteine, which is neutral and slightly polar, at codon 466 of the PEX1 protein (p.Phe466Cys). This variant is not present in population databases (gnomAD no frequency). This variant has not been reported in the literature in individuals affected with PEX1-related conditions. Advanced modeling of protein sequence and biophysical properties (such as structural, functional, and spatial information, amino acid conservation, physicochemical variation, residue mobility, and thermodynamic stability) performed at Invitae indicates that this missense variant is expected to disrupt PEX1 protein function. In summary, the available evidence is currently insufficient to determine the role of this variant in disease. Therefore, it has been classified as a Variant of Uncertain Significance.